The following is an entry in ClinVar:

NM_017780.4(CHD7):c.1742T>A (p.Val581Glu)

Genes: CHD7 (chromodomain helicase DNA binding protein 7; plus strand), LOC126860403 (CDK7 strongly-dependent group 2 enhancer GRCh37_chr8:61693034-61694233; plus strand). Cytogenetic location: 8q12.2.
Variant type: single nucleotide variant.
Coding change: c.1742T>A on transcript NM_017780.4 (MANE Select); coding-DNA position 1742, T replaced by A.
Protein change: p.Val581Glu; replaces valine 581 with glutamic acid.
Molecular consequence: missense variant. On other transcripts: intron variant (1).
Genome position (GRCh38, 1-based): chr8:60,781,076, T>A. VCF-style: chr8-60781076-T-A. GRCh37 (hg19) VCF-style: chr8-61693635-T-A.
Other names: c.1716+26T>A (NM_001316690.1); short protein forms V581E.
Identifiers: ClinVar variation 2658618 (VCV002658618.24), dbSNP rs2487537082, ClinGen allele CA371311677.

ClinVar aggregate classification (germline): Uncertain significance (1 of 4 stars; one submission).

Submission:

CeGaT Center for Human Genetics Tuebingen
Classification: Uncertain significance. Last evaluated: 2022-06-01. Review status: criteria provided, single submitter. Criteria: CeGaT Center For Human Genetics Tuebingen Variant Classification Criteria Version 2. Collection method: clinical testing. Allele origin: germline. Affected: yes. Observed: 1 variant allele.
Comment: CHD7: PM2